The following is an entry in ClinVar:

ClinVar aggregate classification (germline): Likely benign (0 of 4 stars; one submission).

Conditions:
COL27A1-related disorder. Also called: COL27A1-related condition.

gnomAD v4.1: 10 of 1,611,240 alleles (0.00062%); highest among the groups gnomAD compares: African/African-American, 0.013%; no homozygotes.

Submission:

PreventionGenetics, part of Exact Sciences
Classification: Likely benign for COL27A1-related condition. Last evaluated: 2024-06-14. Review status: no assertion criteria provided. Collection method: clinical testing. Allele origin: germline.
Comment: This variant is classified as likely benign based on ACMG/AMP sequence variant interpretation guidelines (Richards et al. 2015 PMID: 25741868, with internal and published modifications).

NM_032888.4(COL27A1):c.2934+8G>T

Gene: COL27A1 (collagen type XXVII alpha 1 chain; plus strand). Cytogenetic location: 9q32.
Variant type: single nucleotide variant.
Coding change: c.2934+8G>T on transcript NM_032888.4 (MANE Select); 8 bases into the intron after coding-DNA position 2934, G replaced by T.
Molecular consequence: intron variant.
Genome position (GRCh38, 1-based): chr9:114,243,568, G>T. VCF-style: chr9-114243568-G-T. GRCh37 (hg19) VCF-style: chr9-117005848-G-T.
Identifiers: ClinVar variation 3352661 (VCV003352661.1).